The following is an entry in ClinVar:

NM_000875.5(IGF1R):c.1549T>C (p.Tyr517His)

Gene: IGF1R (insulin like growth factor 1 receptor; plus strand). Cytogenetic location: 15q26.3.
Variant type: single nucleotide variant.
Coding change: c.1549T>C on transcript NM_000875.5 (MANE Select); coding-DNA position 1549, T replaced by C.
Protein change: p.Tyr517His; replaces tyrosine 517 with histidine.
Molecular consequence: missense variant.
Genome position (GRCh38, 1-based): chr15:98,911,401, T>C. VCF-style: chr15-98911401-T-C. GRCh37 (hg19) VCF-style: chr15-99454630-T-C.
Other names: c.1549T>C, p.Tyr517His (NM_001291858.2); short protein forms Y517H.
Identifiers: ClinVar variation 5037050 (VCV005037050.1).

ClinVar aggregate classification (germline): Uncertain significance (1 of 4 stars; one submission).

Submission:

GeneDx
Classification: Uncertain significance. Last evaluated: 2026-04-24. Review status: criteria provided, single submitter. Criteria: GeneDx Variant Classification Process June 2021. Collection method: clinical testing. Allele origin: germline.
Comment: Not observed at significant frequency in large population cohorts (gnomAD); In silico analysis suggests that this missense variant does not alter protein structure/function; Has not been previously published as pathogenic or benign to our knowledge